The following is an entry in ClinVar:

NM_007198.4(PLPBP):c.207+1G>C

Gene: PLPBP (pyridoxal phosphate binding protein; plus strand). Cytogenetic location: 8p11.23.
Variant type: single nucleotide variant.
Coding change: c.207+1G>C on transcript NM_007198.4 (MANE Select); the canonical splice donor site of the intron after coding-DNA position 207, G replaced by C.
Molecular consequence: splice donor variant.
Genome position (GRCh38, 1-based): chr8:37,765,634, G>C. VCF-style: chr8-37765634-G-C. GRCh37 (hg19) VCF-style: chr8-37623152-G-C.
Other names: c.312+1G>C (NM_001349349.1); c.207+1G>C (NM_001349346.2, NM_001349347.2); c.51+1G>C (NM_001349348.2).
Identifiers: ClinVar variation 2112606 (VCV002112606.4), dbSNP rs767795673, ClinGen allele CA370666792.

ClinVar aggregate classification (germline): Pathogenic (1 of 4 stars; one submission).

gnomAD v4.1: 2 of 1,614,196 alleles (0.00012%); highest among the groups gnomAD compares: Non-Finnish European, 0.00017%; no homozygotes.

Submission:

Labcorp Genetics (formerly Invitae), Labcorp
Classification: Pathogenic. Last evaluated: 2024-11-02. Review status: criteria provided, single submitter. Criteria: Invitae Variant Classification Sherloc (09022015). Collection method: clinical testing. Allele origin: germline.
Comment: This sequence change affects a donor splice site in intron 2 of the PROSC gene. It is expected to disrupt RNA splicing. Variants that disrupt the donor or acceptor splice site typically lead to a loss of protein function (PMID: 16199547), and loss-of-function variants in PROSC are known to be pathogenic (PMID: 27912044). This variant is not present in population databases (gnomAD no frequency). Disruption of this splice site has been observed in individual(s) with pyridoxine-dependent epilepsy (PMID: 27912044, 31741821). In at least one individual the data is consistent with being in trans (on the opposite chromosome) from a pathogenic variant. ClinVar contains an entry for this variant (Variation ID: 2112606). Algorithms developed to predict the effect of sequence changes on RNA splicing suggest that this variant may disrupt the consensus splice site. For these reasons, this variant has been classified as Pathogenic.

Literature cited by the submitters: PubMed 16199547; PubMed 27912044; PubMed 31741821.